The following is an entry in ClinVar:

NM_015046.7(SETX):c.827G>A (p.Arg276Lys)

Gene: SETX (senataxin; minus strand). Cytogenetic location: 9q34.13.
Variant type: single nucleotide variant.
Coding change: c.827G>A on transcript NM_015046.7 (MANE Select); coding-DNA position 827, G replaced by A.
Protein change: p.Arg276Lys; replaces arginine 276 with lysine.
Molecular consequence: missense variant.
Genome position (GRCh38, 1-based): chr9:132,334,619, C>T on the plus strand (G>A on the coding strand, the complement: SETX is on the minus strand). VCF-style: chr9-132334619-C-T. GRCh37 (hg19) VCF-style: chr9-135210006-C-T.
Other names: c.827G>A, p.Arg276Lys (NM_001351527.2, NM_001351528.2); short protein forms R276K.
Identifiers: ClinVar variation 4875393 (VCV004875393.2).

ClinVar aggregate classification (germline): Uncertain significance (1 of 4 stars; one submission).

Submission:

CeGaT Center for Human Genetics Tuebingen
Classification: Uncertain significance. Last evaluated: 2026-06-01. Review status: criteria provided, single submitter. Criteria: CeGaT Center For Human Genetics Tuebingen Variant Classification Criteria Version 2. Collection method: clinical testing. Allele origin: germline. Affected: yes. Observed: 1 variant allele.
Comment: SETX: PM2, BP4